The following continues an entry in ClinVar:

NM_007294.4(BRCA1):c.1612C>T (p.Gln538Ter)

Gene: BRCA1. ClinVar aggregate classification (germline): Pathogenic. Pathogenic (1).

Submissions 12 to 17 of 17:

Consortium of Investigators of Modifiers of BRCA1/2 (CIMBA), c/o University of Cambridge
Classification: Pathogenic for Breast-ovarian cancer, familial, susceptibility to, 1. Last evaluated: 2015-10-02. Review status: criteria provided, single submitter. Criteria: CIMBA Mutation Classification guidelines May 2016. Collection method: clinical testing. Allele origin: germline. Not counted in ClinVar's aggregate classification.

Biomedical Genomics and Oncogenetics Laboratory, Institut Pasteur de Tunis, University Tunis El Manar
Classification: Pathogenic for Breast-ovarian cancer, familial, susceptibility to, 1. Review status: criteria provided, single submitter. Criteria: ACMG Guidelines, 2015. Collection method: clinical testing. Allele origin: germline. Affected: yes. Observed: 4 variant alleles. Not counted in ClinVar's aggregate classification.

Genesis Genomics
Classification: Pathogenic for Breast-ovarian cancer, familial, susceptibility to, 1. Review status: criteria provided, single submitter. Criteria: ACMG Guidelines, 2015. Collection method: clinical testing. Allele origin: germline. Affected: yes. Observed: 1 variant allele. Not counted in ClinVar's aggregate classification.

Research Molecular Genetics Laboratory, Women's College Hospital, University of Toronto
Classification: Pathogenic for Hereditary breast ovarian cancer syndrome. Last evaluated: 2014-01-31. Review status: no assertion criteria provided. Collection method: research. Allele origin: germline. Affected: yes. Study: The Canadian Open Genetics Repository (COGR). Not counted in ClinVar's aggregate classification.

Sharing Clinical Reports Project (SCRP)
Classification: Pathogenic for Breast-ovarian cancer, familial 1. Last evaluated: 2008-04-25. Review status: no assertion criteria provided. Collection method: clinical testing. Allele origin: germline. Not counted in ClinVar's aggregate classification.

Breast Cancer Information Core (BIC) (BRCA1)
Classification: Pathogenic for Breast-ovarian cancer, familial 1. Last evaluated: 2004-11-25. Review status: no assertion criteria provided. Collection method: clinical testing. Allele origin: germline. Affected: yes. Observed: 3 variant alleles. Not counted in ClinVar's aggregate classification.

Literature cited by the submitters: PubMed 20104584 (cited by Labcorp Genetics (formerly Invitae), Labcorp); PubMed 15642173 (cited by 4 submitters); PubMed 16455195 (cited by 5 submitters); PubMed 25948282 (cited by 5 submitters); PubMed 27425403 (cited by 4 submitters); PubMed 28477318 (cited by 4 submitters); PubMed 28724667 (cited by 3 submitters); PubMed 29335924 (cited by 4 submitters); PubMed 39142283 (cited by OLLIN Analises Genomicas, OLLIN); PubMed 29310832 (cited by Color Diagnostics, LLC DBA Color Health and Quest Diagnostics Nichols Institute San Juan Capistrano); PubMed 30606148 (cited by 3 submitters); PubMed 33471991 (cited by Color Diagnostics, LLC DBA Color Health and Quest Diagnostics Nichols Institute San Juan Capistrano); PubMed 22798144 (cited by Quest Diagnostics Nichols Institute San Juan Capistrano and Ambry Genetics); PubMed 29907814 (cited by Quest Diagnostics Nichols Institute San Juan Capistrano); PubMed 30702160 (cited by Quest Diagnostics Nichols Institute San Juan Capistrano); PubMed 32986223 (cited by Quest Diagnostics Nichols Institute San Juan Capistrano); PubMed 31825140 (cited by Quest Diagnostics Nichols Institute San Juan Capistrano); PubMed 34490083 (cited by Quest Diagnostics Nichols Institute San Juan Capistrano); PubMed 35451682 (cited by Quest Diagnostics Nichols Institute San Juan Capistrano); PubMed 32438681 (cited by Quest Diagnostics Nichols Institute San Juan Capistrano).